The following is an entry in ClinVar:

ClinVar aggregate classification (germline): Uncertain significance (1 of 4 stars; one submission).

Allele frequency attached by ClinVar (database versions not stated): gnomAD exomes below 0.00001; ExAC 0.00001.

Submission:

Labcorp Genetics (formerly Invitae), Labcorp
Classification: Uncertain significance. Last evaluated: 2022-07-19. Review status: criteria provided, single submitter. Criteria: Invitae Variant Classification Sherloc (09022015). Collection method: clinical testing. Allele origin: germline.
Comment: This sequence change replaces serine, which is neutral and polar, with asparagine, which is neutral and polar, at codon 82 of the RASGRP1 protein (p.Ser82Asn). This variant is present in population databases (rs771483161, gnomAD 0.0009%). This variant has not been reported in the literature in individuals affected with RASGRP1-related conditions. ClinVar contains an entry for this variant (Variation ID: 1381818). Algorithms developed to predict the effect of missense changes on protein structure and function (SIFT, PolyPhen-2, Align-GVGD) all suggest that this variant is likely to be tolerated. In summary, the available evidence is currently insufficient to determine the role of this variant in disease. Therefore, it has been classified as a Variant of Uncertain Significance.

NM_005739.4(RASGRP1):c.245G>A (p.Ser82Asn)

Gene: RASGRP1 (RAS guanyl releasing protein 1; minus strand). Cytogenetic location: 15q14.
Variant type: single nucleotide variant.
Coding change: c.245G>A on transcript NM_005739.4 (MANE Select); coding-DNA position 245, G replaced by A.
Protein change: p.Ser82Asn; replaces serine 82 with asparagine.
Molecular consequence: missense variant.
Genome position (GRCh38, 1-based): chr15:38,526,380, C>T on the plus strand (G>A on the coding strand, the complement: RASGRP1 is on the minus strand). VCF-style: chr15-38526380-C-T. GRCh37 (hg19) VCF-style: chr15-38818581-C-T.
Other names: c.245G>A, p.Ser82Asn (NM_001128602.2, NM_001306086.2); short protein forms S82N.
Identifiers: ClinVar variation 1381818 (VCV001381818.3), dbSNP rs771483161, ClinGen allele CA7471167.